The following is an entry in ClinVar:

ClinVar aggregate classification (germline): Pathogenic (1 of 4 stars; one submission).

Submission:

GeneDx
Classification: Pathogenic. Last evaluated: 2026-02-14. Review status: criteria provided, single submitter. Criteria: GeneDx Variant Classification Process June 2021. Collection method: clinical testing. Allele origin: germline.
Comment: Not observed at significant frequency in large population cohorts (gnomAD); In silico analysis supports that this missense variant has a deleterious effect on protein structure/function; This substitution is predicted to be within the transmembrane segment S5 of the second homologous domain; This variant is associated with the following publications: (PMID: 18930999, 35087721, 22780858, 32090326, 35074891, 39787995)

NM_001165963.4(SCN1A):c.2686G>C (p.Val896Leu)

Gene: SCN1A (sodium voltage-gated channel alpha subunit 1; minus strand). Cytogenetic location: 2q24.3.
Variant type: single nucleotide variant.
Coding change: c.2686G>C on transcript NM_001165963.4 (MANE Select); coding-DNA position 2686, G replaced by C.
Protein change: p.Val896Leu; replaces valine 896 with leucine.
Molecular consequence: missense variant. On other transcripts: non-coding transcript variant (1).
Genome position (GRCh38, 1-based): chr2:166,038,036, C>G on the plus strand (G>C on the coding strand, the complement: SCN1A is on the minus strand). VCF-style: chr2-166038036-C-G. GRCh37 (hg19) VCF-style: chr2-166894546-C-G.
Other names: c.2602G>C, p.Val868Leu (NM_001165964.3, NM_001353957.2, NM_001353958.2); c.2686G>C, p.Val896Leu (NM_001202435.3, NM_001353948.2); c.2653G>C, p.Val885Leu (NM_001353949.2, NM_001353950.2, NM_001353951.2 and 2 more transcripts); c.2650G>C, p.Val884Leu (NM_001353954.2, NM_001353955.2); c.2599G>C, p.Val867Leu (NM_001353960.2); c.244G>C, p.Val82Leu (NM_001353961.2); short protein forms V82L, V867L, V868L, V884L, V885L, V896L.
Identifiers: ClinVar variation 4887819 (VCV004887819.1).